The following is an entry in ClinVar:

ClinVar aggregate classification (germline): Uncertain significance (1 of 4 stars; one submission).

gnomAD v4.1: 1 of 1,614,120 alleles (0.000062%); no homozygotes.

Submission:

Ambry Genetics
Classification: Uncertain significance. Last evaluated: 2024-11-22. Review status: criteria provided, single submitter. Criteria: Ambry Variant Classification Scheme 2023. Collection method: clinical testing. Allele origin: germline.
Comment: The p.D556N variant (also known as c.1666G>A), located in coding exon 1 of the MLH3 gene, results from a G to A substitution at nucleotide position 1666. The aspartic acid at codon 556 is replaced by asparagine, an amino acid with highly similar properties. This amino acid position is conserved. In addition, this alteration is predicted to be tolerated by in silico analysis. Based on the available evidence, the clinical significance of this variant remains unclear.

NM_001040108.2(MLH3):c.1666G>A (p.Asp556Asn)

Gene: MLH3 (mutL homolog 3; minus strand). Cytogenetic location: 14q24.3.
Variant type: single nucleotide variant.
Coding change: c.1666G>A on transcript NM_001040108.2 (MANE Select); coding-DNA position 1666, G replaced by A.
Protein change: p.Asp556Asn; replaces aspartic acid 556 with asparagine.
Molecular consequence: missense variant.
Genome position (GRCh38, 1-based): chr14:75,047,990, C>T on the plus strand (G>A on the coding strand, the complement: MLH3 is on the minus strand). VCF-style: chr14-75047990-C-T. GRCh37 (hg19) VCF-style: chr14-75514693-C-T.
Other names: c.1666G>A, p.Asp556Asn (NM_014381.3); short protein forms D556N.
Identifiers: ClinVar variation 3396775 (VCV003396775.1).
Genomic context (GRCh38, chr14:75,047,990, plus strand): 5'-TATGTACTCCCCATAATGTTGTTGCAAAAGGCAGAGGCTGGCATCCCACTTCAGTAGCAT[C>T]TTTAAATCTCTTTGGTTGATTCTGAATTCTATTATTTTTCAAGATGTTGGCAGCCATGCC-3'
Protein context (NP_001035197.1, residues 546-566): RIQNQPKRFK[Asp556Asn]ATEVGCQPLP